The following is an entry in ClinVar:

NM_000138.5(FBN1):c.5788+314A>G

Gene: FBN1 (fibrillin 1; minus strand). Cytogenetic location: 15q21.1.
Variant type: single nucleotide variant.
Coding change: c.5788+314A>G on transcript NM_000138.5 (MANE Select); 314 bases into the intron after coding-DNA position 5788, A replaced by G.
Molecular consequence: intron variant.
Genome position (GRCh38, 1-based): chr15:48,446,392, T>C on the plus strand (A>G on the coding strand, the complement: FBN1 is on the minus strand). VCF-style: chr15-48446392-T-C. GRCh37 (hg19) VCF-style: chr15-48738589-T-C.
Identifiers: ClinVar variation 668565 (VCV000668565.1), dbSNP rs116519276, ClinGen allele CA15848775.

ClinVar aggregate classification (germline): Likely benign (1 of 4 stars; one submission).

Allele frequency attached by ClinVar (database versions not stated): gnomAD 0.01986 and 0.02128; TOPMed 0.02334; 1000 Genomes Project 30x 0.04029; 1000 Genomes Project 0.04253.
gnomAD v4.1: 3,322 of 152,314 alleles (2.2%); highest among the groups gnomAD compares: East Asian, 8.3%; 68 homozygotes.

Submission:

GeneDx
Classification: Likely benign. Last evaluated: 2018-06-14. Review status: criteria provided, single submitter. Criteria: GeneDx Variant Classification (06012015). Collection method: clinical testing. Allele origin: germline. Affected: yes.
Comment: This variant is considered likely benign or benign based on one or more of the following criteria: it is a conservative change, it occurs at a poorly conserved position in the protein, it is predicted to be benign by multiple in silico algorithms, and/or has population frequency not consistent with disease.